The following is an entry in ClinVar:

ClinVar aggregate classification (germline): Uncertain significance. Review status: criteria provided, multiple submitters, no conflicts (2 of 4 stars). 4 submissions from 4 submitters: Uncertain significance (4). Last evaluated 2023-04-05.

Conditions:
Dalmatian hypouricemia (RHUC1). Identifiers: MedGen C0473219, MONDO:0020728, OMIM 220150.

Allele frequency attached by ClinVar (database versions not stated): ExAC 0.00004; gnomAD exomes 0.00004 and 0.00009; gnomAD 0.00007; TOPMed 0.00013; ESP Exome Variant Server 0.00031.
gnomAD v4.1: 134 of 1,605,102 alleles (0.0083%); highest among the groups gnomAD compares: Non-Finnish European, 0.01%; no homozygotes.

Submissions (4):

Blueprint Genetics
Classification: Uncertain significance. Last evaluated: 2023-04-05. Review status: criteria provided, single submitter. Criteria: ACMG Guidelines, 2015. Collection method: clinical testing. Allele origin: germline.

Fulgent Genetics
Classification: Uncertain significance for Dalmatian hypouricemia. Last evaluated: 2022-04-20. Review status: criteria provided, single submitter. Criteria: ACMG Guidelines, 2015. Collection method: clinical testing. Allele origin: unknown.

Labcorp Genetics (formerly Invitae), Labcorp
Classification: Uncertain significance. Last evaluated: 2021-11-28. Review status: criteria provided, single submitter. Criteria: Invitae Variant Classification Sherloc (09022015). Collection method: clinical testing. Allele origin: germline.
Comment: This sequence change replaces alanine, which is neutral and non-polar, with aspartic acid, which is acidic and polar, at codon 476 of the SLC22A12 protein (p.Ala476Asp). This variant is present in population databases (rs148862453, gnomAD 0.009%). This missense change has been observed in individual(s) with idiopathic renal hypouricemia (PMID: 29486147). ClinVar contains an entry for this variant (Variation ID: 878889). Algorithms developed to predict the effect of missense changes on protein structure and function are either unavailable or do not agree on the potential impact of this missense change (SIFT: "Deleterious"; PolyPhen-2: "Possibly Damaging"; Align-GVGD: "Class C15"). Experimental studies have shown that this missense change affects SLC22A12 function (PMID: 29486147). In summary, the available evidence is currently insufficient to determine the role of this variant in disease. Therefore, it has been classified as a Variant of Uncertain Significance.

Illumina Laboratory Services, Illumina
Classification: Uncertain significance for Dalmatian hypouricemia. Last evaluated: 2017-04-27. Review status: criteria provided, single submitter. Criteria: ICSL Variant Classification Criteria 13 December 2019. Collection method: clinical testing. Allele origin: germline.

Literature cited by the submitters: PubMed 29486147 (cited by Labcorp Genetics (formerly Invitae), Labcorp).

NM_144585.4(SLC22A12):c.1427C>A (p.Ala476Asp)

Gene: SLC22A12 (solute carrier family 22 member 12; plus strand). Cytogenetic location: 11q13.1.
Variant type: single nucleotide variant.
Coding change: c.1427C>A on transcript NM_144585.4 (MANE Select); coding-DNA position 1427, C replaced by A.
Protein change: p.Ala476Asp; replaces alanine 476 with aspartic acid.
Molecular consequence: missense variant.
Genome position (GRCh38, 1-based): chr11:64,600,767, C>A. VCF-style: chr11-64600767-C-A. GRCh37 (hg19) VCF-style: chr11-64368239-C-A.
Other names: c.764C>A, p.Ala255Asp (NM_153378.3); c.1325C>A, p.Ala442Asp (NM_001276326.2); c.1103C>A, p.Ala368Asp (NM_001276327.2); short protein forms A442D, A368D, A476D, A255D.
Identifiers: ClinVar variation 878889 (VCV000878889.10), dbSNP rs148862453, ClinGen allele CA6077453.
Genomic context (GRCh38, chr11:64,600,767, plus strand): 5'-GCGCTTATAGGTGCATCTGCATTGGCAGGATGACGGCAGTGGGCTTGGGCCAGATGGCAG[C>A]CCGTGGAGGAGCCATCCTGGGGCCTCTGGTCCGGCTGCTGGGTGTCCATGGCCCCTGGCT-3'
Protein context (NP_653186.2, residues 466-486): MTAVGLGQMA[Ala476Asp]RGGAILGPLV